The following is an entry in ClinVar:

NM_001378454.1(ALMS1):c.7388A>G (p.Glu2463Gly)

Gene: ALMS1 (ALMS1 centrosome and basal body associated protein; plus strand). Cytogenetic location: 2p13.1.
Variant type: single nucleotide variant.
Coding change: c.7388A>G on transcript NM_001378454.1 (MANE Select); coding-DNA position 7388, A replaced by G.
Protein change: p.Glu2463Gly; replaces glutamic acid 2463 with glycine.
Molecular consequence: missense variant.
Genome position (GRCh38, 1-based): chr2:73,453,915, A>G. VCF-style: chr2-73453915-A-G. GRCh37 (hg19) VCF-style: chr2-73681042-A-G.
Other names: c.7391A>G, p.Glu2464Gly (NM_015120.4); short protein forms E2464G, E2463G.
Identifiers: ClinVar variation 1758669 (VCV001758669.6), dbSNP rs371640712, ClinGen allele CA1714225.

ClinVar aggregate classification (germline): Uncertain significance. Review status: criteria provided, multiple submitters, no conflicts (2 of 4 stars). 3 submissions from 3 submitters: Uncertain significance (3). Last evaluated 2025-06-02.

Conditions:
Alstrom syndrome (ALMS). Identifiers: Orphanet 64, MedGen C0268425, MONDO:0008763, OMIM 203800.
Cardiovascular phenotype. Identifiers: MedGen CN230736.

Allele frequency attached by ClinVar (database versions not stated): gnomAD exomes below 0.00001; ExAC 0.00001; gnomAD 0.00002; TOPMed 0.00002; ESP Exome Variant Server 0.00008.
gnomAD v4.1: 11 of 1,613,990 alleles (0.00068%); highest among the groups gnomAD compares: African/African-American, 0.0093%; no homozygotes.

Submissions (3):

GeneDx
Classification: Uncertain significance. Last evaluated: 2025-06-02. Review status: criteria provided, single submitter. Criteria: GeneDx Variant Classification Process June 2021. Collection method: clinical testing. Allele origin: germline. Affected: yes.
Comment: Not observed at significant frequency in large population cohorts (gnomAD); In silico analysis supports that this missense variant has a deleterious effect on protein structure/function; Has not been previously published as pathogenic or benign to our knowledge

Ambry Genetics
Classification: Uncertain significance for Cardiovascular phenotype. Last evaluated: 2024-05-15. Review status: criteria provided, single submitter. Criteria: Ambry Variant Classification Scheme 2023. Collection method: clinical testing. Allele origin: germline.
Comment: The p.E2464G variant (also known as c.7391A>G), located in coding exon 8 of the ALMS1 gene, results from an A to G substitution at nucleotide position 7391. The glutamic acid at codon 2464 is replaced by glycine, an amino acid with similar properties. This amino acid position is well conserved in available vertebrate species. In addition, this alteration is predicted to be tolerated by in silico analysis. Since supporting evidence is limited at this time, the clinical significance of this alteration remains unclear.

Labcorp Genetics (formerly Invitae), Labcorp
Classification: Uncertain significance for Alstrom syndrome. Last evaluated: 2022-08-09. Review status: criteria provided, single submitter. Criteria: Invitae Variant Classification Sherloc (09022015). Collection method: clinical testing. Allele origin: germline.
Comment: This sequence change replaces glutamic acid with glycine at codon 2464 of the ALMS1 protein (p.Glu2464Gly). The glutamic acid residue is moderately conserved and there is a moderate physicochemical difference between glutamic acid and glycine. This variant is present in population databases (rs371640712, gnomAD 0.007%). This variant has not been reported in the literature in individuals affected with ALMS1-related conditions. Experimental studies and prediction algorithms are not available or were not evaluated, and the functional significance of this variant is currently unknown. In summary, the available evidence is currently insufficient to determine the role of this variant in disease. Therefore, it has been classified as a Variant of Uncertain Significance.